The following is an entry in ClinVar:

NM_000059.4(BRCA2):c.7368G>C (p.Gln2456His)

Gene: BRCA2 (BRCA2 DNA repair associated; plus strand). Cytogenetic location: 13q13.1.
Variant type: single nucleotide variant.
Coding change: c.7368G>C on transcript NM_000059.4 (MANE Select); coding-DNA position 7368, G replaced by C.
Protein change: p.Gln2456His; replaces glutamine 2456 with histidine.
Molecular consequence: missense variant. On other transcripts: non-coding transcript variant (1).
Genome position (GRCh38, 1-based): chr13:32,355,221, G>C. VCF-style: chr13-32355221-G-C. GRCh37 (hg19) VCF-style: chr13-32929358-G-C.
Other names: c.7272G>C, p.Gln2424His (NM_001406719.1); c.7368G>C, p.Gln2456His (NM_001406720.1, NM_001432077.1); c.2436G>C, p.Gln812His (NM_001406721.1); c.951G>C, p.Gln317His (NM_001406722.1); short protein forms Q2424H, Q2456H, Q317H, Q812H.
Identifiers: ClinVar variation 4856502 (VCV004856502.1).

ClinVar aggregate classification (germline): Likely benign (1 of 4 stars; one submission).

Conditions:
Breast-ovarian cancer, familial, susceptibility to, 2 (BROVCA2). Also called: BRCA2 Hereditary Breast and Ovarian Cancer. Identifiers: Orphanet 145, MedGen C2675520, MONDO:0012933, OMIM 612555. Disease mechanism: loss of function.

gnomAD v4.1: 1 of 1,605,920 alleles (0.000062%); highest among the groups gnomAD compares: Non-Finnish European, 0.000085%; no homozygotes.

Submission:

Cancer Bioinformatics and Tumour Evolution Laboratory, Monash University
Classification: Likely benign for Breast-ovarian cancer, familial, susceptibility to, 2. Last evaluated: 2026-05-01. Review status: criteria provided, single submitter. Criteria: ClinGen BRCA1 and BRCA2 Guidelines, 2024. Collection method: curation. Allele origin: germline. Inheritance: Autosomal dominant inheritance.
Comment: PMID: 39281752 - A large scale study to determine the case-control LR of BRCA1 and BRCA2 variants. The data was consolidated in the ccLR browser. This variant was found in the browser with a LR of 0.673128915 which is in the no evidence range according to the BRCA1 and BRCA2 VCEP. Hence, no evidence code is applied. Missense variant outside of a functional domain with no splice impact. BRCA1 and BRCA2 VCEP guidelines recommend application of BP1_Strong (PMID: 39142283)

Literature cited by the submitters: PubMed 39281752.